The following is an entry in ClinVar:

NM_173842.3(IL1RN):c.169G>T (p.Ala57Ser)

Gene: IL1RN (interleukin 1 receptor antagonist; plus strand). Cytogenetic location: 2q14.1.
Variant type: single nucleotide variant.
Coding change: c.169G>T on transcript NM_173842.3 (MANE Select); coding-DNA position 169, G replaced by T.
Protein change: p.Ala57Ser; replaces alanine 57 with serine.
Molecular consequence: missense variant.
Genome position (GRCh38, 1-based): chr2:113,129,628, G>T. VCF-style: chr2-113129628-G-T. GRCh37 (hg19) VCF-style: chr2-113887205-G-T.
Other names: c.115G>T, p.Ala39Ser (NM_000577.5); c.67G>T, p.Ala23Ser (NM_001318914.2, NM_001379360.1, NM_173843.3); c.178G>T, p.Ala60Ser (NM_173841.3); short protein forms A60S, A23S, A39S, A57S.
Identifiers: ClinVar variation 948707 (VCV000948707.7), dbSNP rs777996358, ClinGen allele CA1838797.

ClinVar aggregate classification (germline): Uncertain significance (1 of 4 stars; one submission).

Conditions:
Sterile multifocal osteomyelitis with periostitis and pustulosis. Also called: CHRONIC RECURRENT MULTIFOCAL OSTEOMYELITIS 2, WITH PERIOSTITIS AND PUSTULOSIS. Identifiers: Orphanet 210115, MedGen C2748507, MONDO:0013021, OMIM 612852.

Allele frequency attached by ClinVar (database versions not stated): gnomAD exomes below 0.00001; ExAC 0.00001; gnomAD 0.00001; TOPMed 0.00003.
gnomAD v4.1: 7 of 1,613,274 alleles (0.00043%); highest among the groups gnomAD compares: African/African-American, 0.004%; no homozygotes.

Submission:

Labcorp Genetics (formerly Invitae), Labcorp
Classification: Uncertain significance for Sterile multifocal osteomyelitis with periostitis and pustulosis. Last evaluated: 2022-02-25. Review status: criteria provided, single submitter. Criteria: Invitae Variant Classification Sherloc (09022015). Collection method: clinical testing. Allele origin: germline.
Comment: This sequence change replaces alanine, which is neutral and non-polar, with serine, which is neutral and polar, at codon 60 of the IL1RN protein (p.Ala60Ser). This variant is present in population databases (rs777996358, gnomAD 0.007%). This variant has not been reported in the literature in individuals affected with IL1RN-related conditions. ClinVar contains an entry for this variant (Variation ID: 948707). Algorithms developed to predict the effect of missense changes on protein structure and function (SIFT, PolyPhen-2, Align-GVGD) all suggest that this variant is likely to be disruptive. In summary, the available evidence is currently insufficient to determine the role of this variant in disease. Therefore, it has been classified as a Variant of Uncertain Significance.